The following is an entry in ClinVar:

ClinVar aggregate classification (germline): Uncertain significance (1 of 4 stars; one submission).

gnomAD v4.1: 28 of 1,614,026 alleles (0.0017%); highest among the groups gnomAD compares: African/African-American, 0.032%; no homozygotes.

Submission:

Labcorp Genetics (formerly Invitae), Labcorp
Classification: Uncertain significance. Last evaluated: 2025-02-19. Review status: criteria provided, single submitter. Criteria: Invitae Variant Classification Sherloc (09022015). Collection method: clinical testing. Allele origin: germline.
Comment: This sequence change replaces aspartic acid, which is acidic and polar, with histidine, which is basic and polar, at codon 578 of the ITGB3 protein (p.Asp578His). This variant is present in population databases (rs141912699, gnomAD 0.03%). This variant has not been reported in the literature in individuals affected with ITGB3-related conditions. Invitae Evidence Modeling of protein sequence and biophysical properties (such as structural, functional, and spatial information, amino acid conservation, physicochemical variation, residue mobility, and thermodynamic stability) has been performed for this missense variant. However, the output from this modeling did not meet the statistical confidence thresholds required to predict the impact of this variant on ITGB3 protein function. In summary, the available evidence is currently insufficient to determine the role of this variant in disease. Therefore, it has been classified as a Variant of Uncertain Significance.

NM_000212.3(ITGB3):c.1732G>C (p.Asp578His)

Gene: ITGB3 (integrin subunit beta 3; plus strand). Cytogenetic location: 17q21.32.
Variant type: single nucleotide variant.
Coding change: c.1732G>C on transcript NM_000212.3 (MANE Select); coding-DNA position 1732, G replaced by C.
Protein change: p.Asp578His; replaces aspartic acid 578 with histidine.
Molecular consequence: missense variant.
Genome position (GRCh38, 1-based): chr17:47,299,349, G>C. VCF-style: chr17-47299349-G-C. GRCh37 (hg19) VCF-style: chr17-45376715-G-C.
Other names: short protein forms D578H.
Identifiers: ClinVar variation 3624080 (VCV003624080.2).
Genomic context (GRCh38, chr17:47,299,349, plus strand): 5'-CTGGGCTGTGTGTTTTCAGGCCATGGCCAGTGCAGCTGTGGGGACTGCCTGTGTGACTCC[G>C]ACTGGACCGGCTACTACTGCAACTGTACCACGCGTACTGACACCTGCATGTCCAGCAATG-3'
Protein context (NP_000203.2, residues 568-588): CSCGDCLCDS[Asp578His]WTGYYCNCTT